The following is an entry in ClinVar:

NM_001110556.2(FLNA):c.61G>A (p.Val21Ile)

Gene: FLNA (filamin A; minus strand). Cytogenetic location: Xq28.
Variant type: single nucleotide variant.
Coding change: c.61G>A on transcript NM_001110556.2 (MANE Select); coding-DNA position 61, G replaced by A.
Protein change: p.Val21Ile; replaces valine 21 with isoleucine.
Molecular consequence: missense variant.
Genome position (GRCh38, 1-based): chrX:154,371,185, C>T on the plus strand (G>A on the coding strand, the complement: FLNA is on the minus strand). VCF-style: chrX-154371185-C-T. GRCh37 (hg19) VCF-style: chrX-153599553-C-T.
Other names: c.61G>A, p.Val21Ile (NM_001456.4); short protein forms V21I.
Identifiers: ClinVar variation 4789612 (VCV004789612.1).

ClinVar aggregate classification (germline): Uncertain significance (1 of 4 stars; one submission).

Conditions:
Heterotopia, periventricular, X-linked dominant (PVNH1). Also called: PERIVENTRICULAR NODULAR HETEROTOPIA 4; HETEROTOPIA, PERIVENTRICULAR, 1; PERIVENTRICULAR NODULAR HETEROTOPIA 1; X-linked periventricular heterotopia. Identifiers: Orphanet 2149, Orphanet 82004, MedGen C1848213, MONDO:0010233, OMIM 300049.
Oto-palato-digital syndrome, type II (OPD2). Also called: Otopalatodigital Syndrome, Type II; FACIOPALATOOSSEOUS SYNDROME; OPD II SYNDROME; Otopalatodigital Syndrome Type 2 (FLNA-OPD2). Identifiers: Orphanet 669, Orphanet 90652, MedGen C1844696, MONDO:0010571, OMIM 304120.
Melnick-Needles syndrome (MNS). Also called: MELNICK-NEEDLES OSTEODYSPLASTY; OSTEODYSPLASTY OF MELNICK AND NEEDLES; Melnick-Needles Syndrome (FLNA-MNS). Identifiers: Orphanet 2484, MedGen C0025237, MONDO:0010650, OMIM 309350.
Frontometaphyseal dysplasia (FMD1). Identifiers: Orphanet 1826, MedGen C0265293, MONDO:0015942.

gnomAD v4.1: 1 of 1,194,348 alleles (0.000084%); highest among the groups gnomAD compares: Non-Finnish European, 0.00011%; no homozygotes.

Submission:

Labcorp Genetics (formerly Invitae), Labcorp
Classification: Uncertain significance for Oto-palato-digital syndrome, type II; Heterotopia, periventricular, X-linked dominant; Frontometaphyseal dysplasia; Melnick-Needles syndrome. Last evaluated: 2026-01-11. Review status: criteria provided, single submitter. Criteria: Invitae Variant Classification Sherloc (09022015). Collection method: clinical testing. Allele origin: germline.
Comment: This sequence change replaces valine, which is neutral and non-polar, with isoleucine, which is neutral and non-polar, at codon 21 of the FLNA protein (p.Val21Ile). This variant is not present in population databases (gnomAD no frequency). This variant has not been reported in the literature in individuals affected with FLNA-related conditions. Invitae Evidence Modeling of protein sequence and biophysical properties (such as structural, functional, and spatial information, amino acid conservation, physicochemical variation, residue mobility, and thermodynamic stability) indicates that this missense variant is not expected to disrupt FLNA protein function with a negative predictive value of 95%. In summary, the available evidence is currently insufficient to determine the role of this variant in disease. Therefore, it has been classified as a Variant of Uncertain Significance.